The following is an entry in ClinVar:

ClinVar aggregate classification (germline): Uncertain significance (1 of 4 stars; one submission).

gnomAD v4.1: 4 of 848,496 alleles (0.00047%); highest among the groups gnomAD compares: Admixed American, 0.0017%; no homozygotes.

Submission:

GeneDx
Classification: Uncertain significance. Last evaluated: 2024-09-17. Review status: criteria provided, single submitter. Criteria: GeneDx Variant Classification Process June 2021. Collection method: clinical testing. Allele origin: germline. Affected: yes.
Comment: Not observed at significant frequency in large population cohorts (gnomAD); In silico analysis indicates that this missense variant does not alter protein structure/function; Has not been previously published as pathogenic or benign to our knowledge

NM_152222.2(RELT):c.1252C>T (p.Arg418Cys)

Gene: RELT (RELT TNF receptor; plus strand). Cytogenetic location: 11q13.4.
Variant type: single nucleotide variant.
Coding change: c.1252C>T on transcript NM_152222.2 (MANE Select); coding-DNA position 1252, C replaced by T.
Protein change: p.Arg418Cys; replaces arginine 418 with cysteine.
Molecular consequence: missense variant. On other transcripts: non-coding transcript variant (2).
Genome position (GRCh38, 1-based): chr11:73,395,450, C>T. VCF-style: chr11-73395450-C-T. GRCh37 (hg19) VCF-style: chr11-73106495-C-T.
Other names: c.1276C>T, p.Arg426Cys (NM_001425248.1); c.1249C>T, p.Arg417Cys (NM_001425249.1, NM_001425250.1); c.1204C>T, p.Arg402Cys (NM_001425251.1); c.994C>T, p.Arg332Cys (NM_001425252.1, NM_001425253.1); c.1252C>T, p.Arg418Cys (NM_032871.4); short protein forms R332C, R402C, R417C, R418C, R426C.
Identifiers: ClinVar variation 3774145 (VCV003774145.1).